The following is an entry in ClinVar:

NM_020754.4(ARHGAP31):c.4199C>T (p.Pro1400Leu)

Gene: ARHGAP31 (Rho GTPase activating protein 31; plus strand). Cytogenetic location: 3q13.33.
Variant type: single nucleotide variant.
Coding change: c.4199C>T on transcript NM_020754.4 (MANE Select); coding-DNA position 4199, C replaced by T.
Protein change: p.Pro1400Leu; replaces proline 1400 with leucine.
Molecular consequence: missense variant.
Genome position (GRCh38, 1-based): chr3:119,416,128, C>T. VCF-style: chr3-119416128-C-T. GRCh37 (hg19) VCF-style: chr3-119134975-C-T.
Other names: short protein forms P1400L.
Identifiers: ClinVar variation 1379815 (VCV001379815.6), dbSNP rs2107648141, ClinGen allele CA354062151.

ClinVar aggregate classification (germline): Uncertain significance (1 of 4 stars; one submission).

Submission:

Labcorp Genetics (formerly Invitae), Labcorp
Classification: Uncertain significance. Last evaluated: 2021-09-05. Review status: criteria provided, single submitter. Criteria: Invitae Variant Classification Sherloc (09022015). Collection method: clinical testing. Allele origin: germline.
Comment: In summary, the available evidence is currently insufficient to determine the role of this variant in disease. Therefore, it has been classified as a Variant of Uncertain Significance. Algorithms developed to predict the effect of missense changes on protein structure and function are either unavailable or do not agree on the potential impact of this missense change (SIFT: "Deleterious"; PolyPhen-2: "Possibly Damaging"; Align-GVGD: "Class C0"). This variant has not been reported in the literature in individuals affected with ARHGAP31-related conditions. This variant is not present in population databases (ExAC no frequency). This sequence change replaces proline with leucine at codon 1400 of the ARHGAP31 protein (p.Pro1400Leu). The proline residue is highly conserved and there is a moderate physicochemical difference between proline and leucine.